The following is an entry in ClinVar:

NC_000002.11:g.(?_47388842)_(47403582_?)dup

Gene: CALM2 (calmodulin 2; minus strand). Cytogenetic location: 2p21.
Variant type: Duplication.
Identifiers: ClinVar variation 2424227 (VCV002424227.4).

ClinVar aggregate classification (germline): Uncertain significance (1 of 4 stars; one submission).

Conditions:
Long QT syndrome 1 (LQT1). Identifiers: Orphanet 101016, Orphanet 768, MedGen C4551647, MONDO:0100316, OMIM 192500, MONDO:0008646.

Submission:

Labcorp Genetics (formerly Invitae), Labcorp
Classification: Uncertain significance for Long QT syndrome 1. Last evaluated: 2022-01-16. Review status: criteria provided, single submitter. Criteria: Invitae Variant Classification Sherloc (09022015). Collection method: clinical testing. Allele origin: germline.
Comment: In summary, the available evidence is currently insufficient to determine the role of this variant in disease. Therefore, it has been classified as a Variant of Uncertain Significance. Experimental studies and prediction algorithms are not available or were not evaluated, and the functional significance of this variant is currently unknown. This variant has not been reported in the literature in individuals affected with CALM2-related conditions. This variant results in a copy number gain of the genomic region encompassing exon(s) 1-5 of the CALM2 gene. This region includes the initiator codon of the gene. This copy number gain extends beyond the assayed region for this gene and therefore may encompass additional genes. As the precise location of this event is unknown, it may be in tandem or it may be located elsewhere in the genome.